The following is an entry in ClinVar:

NM_145200.5(CABP4):c.434G>A (p.Arg145His)

Gene: CABP4 (calcium binding protein 4; plus strand). Cytogenetic location: 11q13.2.
Variant type: single nucleotide variant.
Coding change: c.434G>A on transcript NM_145200.5 (MANE Select); coding-DNA position 434, G replaced by A.
Protein change: p.Arg145His; replaces arginine 145 with histidine.
Molecular consequence: missense variant.
Genome position (GRCh38, 1-based): chr11:67,456,335, G>A. VCF-style: chr11-67456335-G-A. GRCh37 (hg19) VCF-style: chr11-67223806-G-A.
Other names: c.119G>A, p.Arg40His (NM_001300895.3, NM_001300896.3, NM_001379183.1); short protein forms R145H, R40H.
Identifiers: ClinVar variation 1476098 (VCV001476098.8), dbSNP rs754884992, ClinGen allele CA6140220.
Genomic context (GRCh38, chr11:67,456,335, plus strand): 5'-GGGCTTGACCTCCCTCCTCCACAGAGCTTCAGGCCGCCTTCGAGGAGTTTGACACTGACC[G>A]TGACGGCTACATCAGCCACCGGGAGCTGGGTGACTGCATGCGGACCCTGGGCTACATGCC-3'
Protein context (NP_660201.1, residues 135-155): QAAFEEFDTD[Arg145His]DGYISHRELG

ClinVar aggregate classification (germline): Uncertain significance (1 of 4 stars; one submission).

Allele frequency attached by ClinVar (database versions not stated): gnomAD 0.00004; gnomAD exomes 0.00004; TOPMed 0.00004.
gnomAD v4.1: 18 of 1,613,670 alleles (0.0011%); highest among the groups gnomAD compares: East Asian, 0.013%; no homozygotes.

Submission:

Labcorp Genetics (formerly Invitae), Labcorp
Classification: Uncertain significance. Last evaluated: 2022-08-09. Review status: criteria provided, single submitter. Criteria: Invitae Variant Classification Sherloc (09022015). Collection method: clinical testing. Allele origin: germline.
Comment: In summary, the available evidence is currently insufficient to determine the role of this variant in disease. Therefore, it has been classified as a Variant of Uncertain Significance. This sequence change replaces arginine, which is basic and polar, with histidine, which is basic and polar, at codon 145 of the CABP4 protein (p.Arg145His). This variant is present in population databases (rs754884992, gnomAD 0.04%). This variant has not been reported in the literature in individuals affected with CABP4-related conditions. Advanced modeling of protein sequence and biophysical properties (such as structural, functional, and spatial information, amino acid conservation, physicochemical variation, residue mobility, and thermodynamic stability) performed at Invitae indicates that this missense variant is not expected to disrupt CABP4 protein function. ClinVar contains an entry for this variant (Variation ID: 1476098).